The following is an entry in ClinVar:

NM_001332.4(CTNND2):c.1650G>A (p.Pro550=)

Gene: CTNND2 (catenin delta 2; minus strand). Cytogenetic location: 5p15.2.
Variant type: single nucleotide variant.
Coding change: c.1650G>A on transcript NM_001332.4 (MANE Select); coding-DNA position 1650, G replaced by A.
Protein change: p.Pro550=; no amino-acid change (proline 550 retained).
Molecular consequence: synonymous variant. On other transcripts: non-coding transcript variant (1).
Genome position (GRCh38, 1-based): chr5:11,236,802, C>T on the plus strand (G>A on the coding strand, the complement: CTNND2 is on the minus strand). VCF-style: chr5-11236802-C-T. GRCh37 (hg19) VCF-style: chr5-11236914-C-T.
Other names: c.1377G>A, p.Pro459= (NM_001288715.1); c.639G>A, p.Pro213= (NM_001288716.1, NM_001364128.2); c.351G>A, p.Pro117= (NM_001288717.2).
Identifiers: ClinVar variation 769644 (VCV000769644.9), dbSNP rs28038, ClinGen allele CA3200803.

ClinVar aggregate classification (germline): Benign. Review status: criteria provided, multiple submitters, no conflicts (2 of 4 stars). 4 submissions from 4 submitters: Benign (3). 1 of the submissions does not count toward it. Last evaluated 2020-09-25.

Conditions:
CTNND2-related disorder. Also called: CTNND2-related condition.

Allele frequency attached by ClinVar (database versions not stated): gnomAD exomes 0.00090 and 0.00233; ExAC 0.00295; gnomAD 0.00939 and 0.01009; ESP Exome Variant Server 0.01023; TOPMed 0.01032; 1000 Genomes Project 0.01158; 1000 Genomes Project 30x 0.01249.
gnomAD v4.1: 2,787 of 1,614,042 alleles (0.17%); highest among the groups gnomAD compares: African/African-American, 3.3%; 44 homozygotes.

Submissions (4):

GeneDx
Classification: Benign. Last evaluated: 2020-09-25. Review status: criteria provided, single submitter. Criteria: GeneDx Variant Classification Process June 2021. Collection method: clinical testing. Allele origin: germline. Affected: yes.

Labcorp Genetics (formerly Invitae), Labcorp
Classification: Benign. Last evaluated: 2019-12-31. Review status: criteria provided, single submitter. Criteria: Invitae Variant Classification Sherloc (09022015). Collection method: clinical testing. Allele origin: germline.

Breakthrough Genomics
Classification: Benign. Review status: criteria provided, single submitter. Criteria: ACMG Guidelines, 2015. Collection method: not provided. Allele origin: germline. Inheritance: Unknown mechanism. Affected: yes.

PreventionGenetics, part of Exact Sciences
Classification: Benign for CTNND2-related condition. Last evaluated: 2023-03-13. Review status: no assertion criteria provided. Collection method: clinical testing. Allele origin: germline. Not counted in ClinVar's aggregate classification.
Comment: This variant is classified as benign based on ACMG/AMP sequence variant interpretation guidelines (Richards et al. 2015 PMID: 25741868, with internal and published modifications).